The following is an entry in ClinVar:

ClinVar aggregate classification (germline): Benign/Likely benign. Review status: criteria provided, multiple submitters, no conflicts (2 of 4 stars). 2 submissions from 2 submitters: Benign (1); Likely benign (1). Last evaluated 2024-07-01.

Allele frequency attached by ClinVar (database versions not stated): TOPMed 0.00004; gnomAD 0.00015 and 0.00016; gnomAD exomes 0.00015 and 0.00024; ExAC 0.00023.

Submissions (2):

CeGaT Center for Human Genetics Tuebingen
Classification: Likely benign. Last evaluated: 2024-07-01. Review status: criteria provided, single submitter. Criteria: CeGaT Center For Human Genetics Tuebingen Variant Classification Criteria Version 2. Collection method: clinical testing. Allele origin: germline. Affected: yes. Observed: 1 variant allele.
Comment: CHAMP1: BP4, BP7

Labcorp Genetics (formerly Invitae), Labcorp
Classification: Benign. Last evaluated: 2018-04-25. Review status: criteria provided, single submitter. Criteria: Invitae Variant Classification Sherloc (09022015). Collection method: clinical testing. Allele origin: germline.

NM_032436.4(CHAMP1):c.45G>A (p.Glu15=)

Gene: CHAMP1 (chromosome alignment maintaining phosphoprotein 1; plus strand). Cytogenetic location: 13q34.
Variant type: single nucleotide variant.
Coding change: c.45G>A on transcript NM_032436.4 (MANE Select); coding-DNA position 45, G replaced by A.
Protein change: p.Glu15=; no amino-acid change (glutamic acid 15 retained).
Molecular consequence: synonymous variant.
Genome position (GRCh38, 1-based): chr13:114,323,887, G>A. VCF-style: chr13-114323887-G-A. GRCh37 (hg19) VCF-style: chr13-115089362-G-A.
Other names: c.45G>A, p.Glu15= (NM_001164144.3, NM_001164145.3).
Identifiers: ClinVar variation 742575 (VCV000742575.20), dbSNP rs201860837, ClinGen allele CA7070578.